The following is an entry in ClinVar:

NM_001243279.3(ACSF3):c.671C>T (p.Thr224Ile)

Gene: ACSF3 (acyl-CoA synthetase family member 3; plus strand). Cytogenetic location: 16q24.3.
Variant type: single nucleotide variant.
Coding change: c.671C>T on transcript NM_001243279.3 (MANE Select); coding-DNA position 671, C replaced by T.
Protein change: p.Thr224Ile; replaces threonine 224 with isoleucine.
Molecular consequence: missense variant. On other transcripts: 5 prime UTR variant (1), non-coding transcript variant (3).
Genome position (GRCh38, 1-based): chr16:89,102,608, C>T. VCF-style: chr16-89102608-C-T. GRCh37 (hg19) VCF-style: chr16-89169016-C-T.
Other names: c.671C>T, p.Thr224Ile (NM_001127214.4, NM_174917.5); c.-125C>T (NM_001284316.2); short protein forms T224I.
Identifiers: ClinVar variation 1895535 (VCV001895535.3), dbSNP rs775624630, ClinGen allele CA397137690.

ClinVar aggregate classification (germline): Uncertain significance (1 of 4 stars; one submission).

Conditions:
Combined malonic and methylmalonic acidemia. Identifiers: Orphanet 289504, MedGen C3280314, MONDO:0013661, OMIM 614265.

Allele frequency attached by ClinVar (database versions not stated): TOPMed 0.00002.
gnomAD v4.1: 2 of 1,613,740 alleles (0.00012%); highest among the groups gnomAD compares: Admixed American, 0.0033%; no homozygotes.

Submission:

Labcorp Genetics (formerly Invitae), Labcorp
Classification: Uncertain significance for Combined malonic and methylmalonic acidemia. Last evaluated: 2025-09-30. Review status: criteria provided, single submitter. Criteria: Invitae Variant Classification Sherloc (09022015). Collection method: clinical testing. Allele origin: germline.
Comment: This sequence change replaces threonine, which is neutral and polar, with isoleucine, which is neutral and non-polar, at codon 224 of the ACSF3 protein (p.Thr224Ile). This variant is present in population databases (no rsID available, gnomAD 0.003%). This variant has not been reported in the literature in individuals affected with ACSF3-related conditions. ClinVar contains an entry for this variant (Variation ID: 1895535). Invitae Evidence Modeling of protein sequence and biophysical properties (such as structural, functional, and spatial information, amino acid conservation, physicochemical variation, residue mobility, and thermodynamic stability) has been performed for this missense variant. However, the output from this modeling did not meet the statistical confidence thresholds required to predict the impact of this variant on ACSF3 protein function. In summary, the available evidence is currently insufficient to determine the role of this variant in disease. Therefore, it has been classified as a Variant of Uncertain Significance.